The following is an entry in ClinVar:

NM_015450.3(POT1):c.1649A>T (p.Asp550Val)

Gene: POT1 (protection of telomeres 1; minus strand). Cytogenetic location: 7q31.33.
Variant type: single nucleotide variant.
Coding change: c.1649A>T on transcript NM_015450.3 (MANE Select); coding-DNA position 1649, A replaced by T.
Protein change: p.Asp550Val; replaces aspartic acid 550 with valine.
Molecular consequence: missense variant. On other transcripts: non-coding transcript variant (3).
Genome position (GRCh38, 1-based): chr7:124,827,251, T>A on the plus strand (A>T on the coding strand, the complement: POT1 is on the minus strand). VCF-style: chr7-124827251-T-A. GRCh37 (hg19) VCF-style: chr7-124467305-T-A.
Other names: c.1256A>T, p.Asp419Val (NM_001042594.2); short protein forms D419V, D550V.
Identifiers: ClinVar variation 2771880 (VCV002771880.3), dbSNP rs1271777240, ClinGen allele CA369063017.
Genomic context (GRCh38, chr7:124,827,251, plus strand): 5'-TCTTTATTACCTCTGATACTTACAGAATCCATGAGATAGGCTTCTAGTACTCCTGTTCCA[T>A]CATCAAGTGTAAAGGTCATAACAAACACATATTGGAGGGGTACAATACCCAGTGCTAGTG-3'
Protein context (NP_056265.2, residues 540-560): YVFVMTFTLD[Asp550Val]GTGVLEAYLM

ClinVar aggregate classification (germline): Uncertain significance (1 of 4 stars; one submission).

Conditions:
Tumor predisposition syndrome 3 (TPDS3). Also called: Glioma susceptibility 9; Melanoma, cutaneous malignant, susceptibility to, 10; LONG TELOMERE SYNDROME, POT1-RELATED; POT1 Tumor Predisposition. Identifiers: Orphanet 618, MedGen C4014476, MONDO:0014368, OMIM 615848.

Submission:

Labcorp Genetics (formerly Invitae), Labcorp
Classification: Uncertain significance for Tumor predisposition syndrome 3. Last evaluated: 2023-10-26. Review status: criteria provided, single submitter. Criteria: Invitae Variant Classification Sherloc (09022015). Collection method: clinical testing. Allele origin: germline.
Comment: This sequence change replaces aspartic acid, which is acidic and polar, with valine, which is neutral and non-polar, at codon 550 of the POT1 protein (p.Asp550Val). This variant is not present in population databases (gnomAD no frequency). This variant has not been reported in the literature in individuals affected with POT1-related conditions. Advanced modeling of protein sequence and biophysical properties (such as structural, functional, and spatial information, amino acid conservation, physicochemical variation, residue mobility, and thermodynamic stability) performed at Invitae indicates that this missense variant is not expected to disrupt POT1 protein function with a negative predictive value of 80%. In summary, the available evidence is currently insufficient to determine the role of this variant in disease. Therefore, it has been classified as a Variant of Uncertain Significance.